The following is an entry in ClinVar:

NM_032447.5(FBN3):c.6861C>T (p.Pro2287=)

Gene: FBN3 (fibrillin 3; minus strand). Cytogenetic location: 19p13.2.
Variant type: single nucleotide variant.
Coding change: c.6861C>T on transcript NM_032447.5 (MANE Select); coding-DNA position 6861, C replaced by T.
Protein change: p.Pro2287=; no amino-acid change (proline 2287 retained).
Molecular consequence: synonymous variant.
Genome position (GRCh38, 1-based): chr19:8,086,219, G>A on the plus strand (C>T on the coding strand, the complement: FBN3 is on the minus strand). VCF-style: chr19-8086219-G-A. GRCh37 (hg19) VCF-style: chr19-8151103-G-A.
Other names: c.6861C>T, p.Pro2287= (NM_001321431.2).
Identifiers: ClinVar variation 3039898 (VCV003039898.4), dbSNP rs146124861, ClinGen allele CA9151092.

ClinVar aggregate classification (germline): Likely benign. Review status: criteria provided, single submitter (1 of 4 stars). 2 submissions from 2 submitters: Likely benign (1). 1 of the submissions does not count toward it. Last evaluated 2025-06-12.

Conditions:
FBN3-related disorder. Also called: FBN3-related condition.

Allele frequency attached by ClinVar (database versions not stated): ExAC 0.00017; ESP Exome Variant Server 0.00038; 1000 Genomes Project 0.00040; gnomAD exomes 0.00003; TOPMed 0.00027; gnomAD 0.00021; 1000 Genomes Project 30x 0.00031.
gnomAD v4.1: 73 of 1,608,224 alleles (0.0045%); highest among the groups gnomAD compares: African/African-American, 0.083%; no homozygotes.

Submissions (2):

Labcorp Genetics (formerly Invitae), Labcorp
Classification: Likely benign. Last evaluated: 2025-06-12. Review status: criteria provided, single submitter. Criteria: Invitae Variant Classification Sherloc (09022015). Collection method: clinical testing. Allele origin: germline.

PreventionGenetics, part of Exact Sciences
Classification: Likely benign for FBN3-related condition. Last evaluated: 2019-10-28. Review status: no assertion criteria provided. Collection method: clinical testing. Allele origin: germline. Not counted in ClinVar's aggregate classification.
Comment: This variant is classified as likely benign based on ACMG/AMP sequence variant interpretation guidelines (Richards et al. 2015 PMID: 25741868, with internal and published modifications).